The following is an entry in ClinVar:

ClinVar aggregate classification (germline): Pathogenic/Likely pathogenic. Review status: criteria provided, multiple submitters, no conflicts (2 of 4 stars). 4 submissions from 4 submitters: Pathogenic (3); Likely pathogenic (1). Last evaluated 2024-02-23.

Conditions:
ASPM-related disorder. Also called: ASPM-related condition.
Microcephaly 5, primary, autosomal recessive (MCPH5). Also called: ASPM Primary Microcephaly. Identifiers: Orphanet 2512, MedGen C1837501, MONDO:0012106, OMIM 608716.

Allele frequency attached by ClinVar (database versions not stated): ExAC 0.00001; gnomAD exomes 0.00001; ESP Exome Variant Server 0.00008.

Submissions (4):

Labcorp Genetics (formerly Invitae), Labcorp
Classification: Pathogenic. Last evaluated: 2024-02-23. Review status: criteria provided, single submitter. Criteria: Invitae Variant Classification Sherloc (09022015). Collection method: clinical testing. Allele origin: germline.
Comment: This sequence change creates a premature translational stop signal (p.Ile3352Metfs*30) in the ASPM gene. It is expected to result in an absent or disrupted protein product. Loss-of-function variants in ASPM are known to be pathogenic (PMID: 19028728, 23611254). This variant is present in population databases (rs754767041, gnomAD 0.002%). This premature translational stop signal has been observed in individual(s) with microcephaly (PMID: 26663670). ClinVar contains an entry for this variant (Variation ID: 1339592). For these reasons, this variant has been classified as Pathogenic.

GeneDx
Classification: Pathogenic. Last evaluated: 2024-02-01. Review status: criteria provided, single submitter. Criteria: GeneDx Variant Classification Process June 2021. Collection method: clinical testing. Allele origin: germline. Affected: yes.
Comment: Observed with a nonsense variant on the opposite allele (in trans) in a fetus with microcephaly, hypoplasia of the corpus callosum, simplified gyration, genital anomaly, and clubfeet in the published literature (PMID: 26663670); Frameshift variant predicted to result in protein truncation or nonsense mediated decay in a gene for which loss-of-function is a known mechanism of disease; Not observed at significant frequency in large population cohorts (gnomAD); This variant is associated with the following publications: (PMID: 26663670)

Genome-Nilou Lab
Classification: Pathogenic for Microcephaly 5, primary, autosomal recessive. Last evaluated: 2023-04-11. Review status: criteria provided, single submitter. Criteria: ACMG Guidelines, 2015. Collection method: clinical testing. Allele origin: germline. Affected: no.

Blueprint Genetics
Classification: Likely pathogenic for ASPM-related disorders. Last evaluated: 2021-11-09. Review status: criteria provided, single submitter. Criteria: ACMG Guidelines, 2015. Collection method: clinical testing. Allele origin: germline. Affected: yes. Observed: 4 variant alleles.

Literature cited by the submitters: PubMed 19028728 (cited by Labcorp Genetics (formerly Invitae), Labcorp); PubMed 23611254 (cited by Labcorp Genetics (formerly Invitae), Labcorp); PubMed 26663670 (cited by Labcorp Genetics (formerly Invitae), Labcorp).

NM_018136.5(ASPM):c.10055_10056insGG (p.Ile3352fs)

Gene: ASPM (assembly factor for spindle microtubules; minus strand). Cytogenetic location: 1q31.3.
Variant type: Insertion.
Coding change: c.10055_10056insGG on transcript NM_018136.5 (MANE Select); coding-DNA positions 10055 to 10056, GG inserted.
Protein change: p.Ile3352fs; shifts the reading frame from isoleucine 3352.
Molecular consequence: frameshift variant.
Genome position: GRCh38 VCF-style: chr1-197088361-T-TCC. GRCh37 (hg19) VCF-style: chr1-197057491-T-TCC.
Other names: c.5300_5301insGG, p.Ile1767fs (NM_001206846.2); short protein forms I1767fs, I3352fs.
Identifiers: ClinVar variation 1339592 (VCV001339592.10), dbSNP rs754767041, ClinGen allele CA1308802.